The following is an entry in ClinVar:

NM_004004.6(GJB2):c.246C>G (p.Ile82Met)

Gene: GJB2 (gap junction protein beta 2; minus strand). Cytogenetic location: 13q12.11.
Variant type: single nucleotide variant.
Coding change: c.246C>G on transcript NM_004004.6 (MANE Select); coding-DNA position 246, C replaced by G.
Protein change: p.Ile82Met; replaces isoleucine 82 with methionine.
Molecular consequence: missense variant.
Genome position (GRCh38, 1-based): chr13:20,189,336, G>C on the plus strand (C>G on the coding strand, the complement: GJB2 is on the minus strand). VCF-style: chr13-20189336-G-C. GRCh37 (hg19) VCF-style: chr13-20763475-G-C.
Other names: short protein forms I82M.
Identifiers: ClinVar variation 188756 (VCV000188756.28), dbSNP rs781534323, ClinGen allele CA273919.
Genomic context (GRCh38, chr13:20,189,336, plus strand): 5'-CTTCTCATGTCTCCGGTAGGCCACGTGCATGGCCACTAGGAGCGCTGGCGTGGACACGAA[G>C]ATCAGCTGCAGGGCCCATAGCCGGATGTGGGAGATGGGGAAGTAGTGATCGTAGCACACG-3'
Protein context (NP_003995.2, residues 72-92): SHIRLWALQL[Ile82Met]FVSTPALLVA

ClinVar aggregate classification (germline): Pathogenic/Likely pathogenic. Review status: criteria provided, multiple submitters, no conflicts (2 of 4 stars). 10 submissions from 10 submitters: Pathogenic (7); Likely pathogenic (2). 1 of the submissions does not count toward it. Last evaluated 2026-04-02.

Conditions:
GJB2-related disorder. Also called: GJB2-related condition; GJB2-related disorders. Identifiers: MedGen CN382183, MONDO:1060236.
Autosomal dominant keratitis-ichthyosis-hearing loss syndrome. Also called: Senter syndrome; KID SYNDROME, AUTOSOMAL DOMINANT; HID SYNDROME. Identifiers: Orphanet 477, MedGen C0265336, MONDO:0007850, OMIM 148210.
Autosomal recessive nonsyndromic hearing loss 1A (DFNB1A). Also called: GJB2-Related Autosomal Recessive Nonsyndromic Hearing Loss; GJB6-Related DFNB 1 Nonsyndromic Hearing Loss and Deafness; Connexin 26 deafness; Deafness nonsyndromic, Connexin 26 linked; Nonsyndromic Hearing Loss and Deafness, DFNB1; Deafness, autosomal recessive 1A. Identifiers: Orphanet 90636, MedGen C2673759, MONDO:0009076, OMIM 220290.
Palmoplantar keratoderma-deafness syndrome. Also called: Keratoderma palmoplantar, with deafness; Palmoplantar keratoderma and sensorineural deafness; Hereditary palmoplantar keratoderma with deafness (subtype); Focal palmoplantar keratoderma with sensorineural deafness (subtype); Diffuse palmoplantar keratoderma with deafness (subtype). Identifiers: Orphanet 2202, MedGen C1835672, MONDO:0007852, OMIM 148350.
Ichthyosis, hystrix-like, with hearing loss. Also called: Hystrix-like ichthyosis with deafness. Identifiers: Orphanet 477, MedGen C1865234, MONDO:0011245.
Knuckle pads, deafness AND leukonychia syndrome. Also called: Bart-Pumphrey syndrome. Identifiers: Orphanet 2698, MedGen C0266004, MONDO:0007866, OMIM 149200.
Autosomal dominant nonsyndromic hearing loss 3A. Identifiers: Orphanet 90635, MedGen C2675750, MONDO:0011103, OMIM 601544.
Mutilating keratoderma (VOWNKL). Also called: Keratoderma hereditarium mutilans. Identifiers: Orphanet 494, MedGen C0265964, MONDO:0007422, OMIM 124500.
Nonsyndromic genetic hearing loss. Also called: Nonsyndromic hearing loss and deafness; Non-syndromic genetic deafness; Nonsyndromic genetic deafness. Identifiers: Orphanet 87884, MedGen C5680182, MONDO:0019497.

Allele frequency attached by ClinVar (database versions not stated): TOPMed 0.00003; gnomAD 0.00001; gnomAD exomes 0.00001 and 0.00002; ExAC 0.00002.
gnomAD v4.1: 26 of 1,614,022 alleles (0.0016%); highest among the groups gnomAD compares: Non-Finnish European, 0.0021%; no homozygotes.

Submissions (10):

Institute of Medical Genetics and Applied Genomics, University Hospital Tübingen
Classification: Pathogenic for Autosomal recessive nonsyndromic hearing loss 1A. Last evaluated: 2026-04-02. Review status: criteria provided, single submitter. Criteria: ACMG Guidelines, 2015. Collection method: clinical testing. Allele origin: germline. Inheritance: Autosomal recessive inheritance. Affected: yes.

Labcorp Genetics (formerly Invitae), Labcorp
Classification: Pathogenic. Last evaluated: 2026-01-14. Review status: criteria provided, single submitter. Criteria: Invitae Variant Classification Sherloc (09022015). Collection method: clinical testing. Allele origin: germline.
Comment: This sequence change replaces isoleucine, which is neutral and non-polar, with methionine, which is neutral and non-polar, at codon 82 of the GJB2 protein (p.Ile82Met). This variant is present in population databases (rs781534323, gnomAD 0.002%). This missense change has been observed in individuals with autosomal recessive deafness (PMID: 12112666, 15964725, 20234132, 22567152). ClinVar contains an entry for this variant (Variation ID: 188756). Invitae Evidence Modeling of protein sequence and biophysical properties (such as structural, functional, and spatial information, amino acid conservation, physicochemical variation, residue mobility, and thermodynamic stability) indicates that this missense variant is expected to disrupt GJB2 protein function with a positive predictive value of 95%. Experimental studies have shown that this missense change affects GJB2 function (PMID: 16300957). For these reasons, this variant has been classified as Pathogenic.

PreventionGenetics, part of Exact Sciences
Classification: Likely pathogenic for GJB2-related condition. Last evaluated: 2025-11-11. Review status: criteria provided, single submitter. Criteria: ACMG Guidelines, 2015. Collection method: clinical testing. Allele origin: germline.
Comment: The GJB2 c.246C>G variant is predicted to result in the amino acid substitution p.Ile82Met. This variant was reported in at least two individuals with autosomal recessive nonsyndromic hearing loss in the compound heterozygous state along with a second pathogenic variant (Kupka et al. 2002. PubMed ID: 12112666; Dalamón et al. 2005. PubMed ID: 15964725). This variant was also described in large cohorts of individuals with non-syndromic hearing impairment (Danilenko et al. 2012. PubMed ID: 22567152; Bartsch et al. 2010. PubMed ID: 20234132). In vitro experiments demonstrated this variant impairs protein function (Palmada et al. 2005. PubMed ID: 16300957). This variant is reported in 0.0018% of alleles in individuals of European (Non-Finnish) descent in gnomAD. This variant is interpreted as likely pathogenic.

Natera, Inc.
Classification: Pathogenic for Autosomal recessive deafness type 1A. Last evaluated: 2025-01-03. Review status: criteria provided, single submitter. Criteria: Natera Variant Classification Schema (03/2026). Collection method: clinical testing. Allele origin: germline.
Comment: The c.246C>G variant in GJB2 is a missense variant predicted to cause substitution of isoleucine to methionine at amino acid 82. This variant is rare in the general population with a frequency below the threshold expected for the associated phenotype(s). This variant has been observed in one or more individuals affected with the associated recessive disease, as either homozygous or compound heterozygous with a second variant (PMID: 15964725, 26969326). Given the available evidence, this variant is classified as Pathogenic.

GeneDx
Classification: Pathogenic. Last evaluated: 2024-09-30. Review status: criteria provided, single submitter. Criteria: GeneDx Variant Classification Process June 2021. Collection method: clinical testing. Allele origin: germline. Affected: yes.
Comment: Published functional studies demonstrate a damaging effect on protein function due to a reduction of channel activation and possible dominant negative effect on wild-type protein (PMID: 16300957); Not observed at significant frequency in large population cohorts (gnomAD); In silico analysis supports that this missense variant has a deleterious effect on protein structure/function; This variant is associated with the following publications: (PMID: 12112666, 25388846, 16380907, 19887791, 15964725, 20234132, 33096615, 36048236, 34308104, 16300957)

Fulgent Genetics
Classification: Likely pathogenic for Mutilating keratoderma; Autosomal dominant keratitis-ichthyosis-hearing loss syndrome; Palmoplantar keratoderma-deafness syndrome; Knuckle pads, deafness AND leukonychia syndrome; Autosomal recessive nonsyndromic hearing loss 1A; Autosomal dominant nonsyndromic hearing loss 3A. Last evaluated: 2024-05-17. Review status: criteria provided, single submitter. Criteria: ACMG Guidelines, 2015. Collection method: clinical testing. Allele origin: germline.

Blueprint Genetics
Classification: Pathogenic for GJB2-related disorders. Last evaluated: 2023-10-11. Review status: criteria provided, single submitter. Criteria: ACMG Guidelines, 2015. Collection method: clinical testing. Allele origin: germline. Affected: yes. Observed: 2 variant alleles.

INGEBI, INGEBI / CONICET
Classification: Pathogenic for Nonsyndromic hearing loss and deafness. Last evaluated: 2020-08-21. Review status: criteria provided, single submitter. Criteria: ClinGen HL ACMG Specifications v1. Collection method: clinical testing. Allele origin: germline. Inheritance: Autosomal recessive inheritance. Affected: yes. Observed: 1 variant allele.
Comment: Based on ACMG/AMP guidelines and Hearing Loss Expert Panel specific criteria: the c.246C>G, p.Ile82Met is only present in european non-finish population with a filtering variant frequency of 0,00031% from Genome Aggregation Database v2.1.1 (calculated by using inverse allele frequency at an online resource) meeting PM2. This variant was identified in trans with several pathogenic variants at least four times applying to PM3_VeryStrong (PMID:15964725,16380907,12112666). Besides, p.Ile82Met change in trans with c.35delG variant segregated in two affected meeting PP1_Moderate criteria (PMID: 12112666). Computational evidence showed a damage impact of the mutation to the protein (REVEL: 0.928) meeting PP3 rule. Functional studies in Xenopus Laevis oocytes demonstrated a deleterious effect since there was a significantly decrease of current measure when p.Ile82Met was injected compared to wild type channels (PMID: 16300957) applying to PS3_Moderate. In summary, this variant meets criteria to be classified as pathogenic for autosomal recessive nonsyndromic hearing loss (PM2, PP1_Moderate, PM3_VeryStrong, PP3 and PS3_Moderate).

Women's Health and Genetics/Laboratory Corporation of America, LabCorp
Classification: Pathogenic for Deafness, autosomal recessive 1A. Last evaluated: 2019-03-25. Review status: criteria provided, single submitter. Criteria: LabCorp Variant Classification Summary - May 2015. Collection method: clinical testing. Allele origin: germline.
Comment: Variant summary: GJB2 c.246C>G (p.Ile82Met) results in a conservative amino acid change located in the transmembrane domain (Palmada 2006) of the encoded protein sequence. Four of five in-silico tools predict a damaging effect of the variant on protein function. The variant allele was found at a frequency of 8.1e-06 in 246170 control chromosomes (gnomAD). c.246C>G has been reported in the literature in multiple compound heterozygous individuals affected with Non-Syndromic Hearing Loss (Kupka 2002, Bartsch 2010, Danilenko 2012, Snoeckx 2005). These data indicate that the variant is very likely to be associated with disease. At least one publication reported experimental evidence evaluating an impact on protein function, demonstrating profound reduction in channel activity as determined by electrophysiological analysis on Xenopus oocytes expressing the mutant protein (Palmada 2006). No clinical diagnostic laboratories have submitted clinical-significance assessments for this variant to ClinVar after 2014. Based on the evidence outlined above, the variant was classified as pathogenic.

Counsyl
Classification: Likely pathogenic for Deafness, autosomal recessive 1A. Last evaluated: 2014-04-10. Review status: no assertion criteria provided. Collection method: literature only. Allele origin: unknown. Inheritance: Autosomal recessive inheritance. Not counted in ClinVar's aggregate classification.

Literature cited by the submitters: PubMed 12112666 (cited by 4 submitters); PubMed 15964725 (cited by 4 submitters); PubMed 20234132 (cited by Labcorp Genetics (formerly Invitae), Labcorp and Women's Health and Genetics/Laboratory Corporation of America, LabCorp); PubMed 22567152 (cited by Labcorp Genetics (formerly Invitae), Labcorp and Women's Health and Genetics/Laboratory Corporation of America, LabCorp); PubMed 16300957 (cited by 4 submitters); PubMed 26969326 (cited by Natera, Inc.); PubMed 16380907 (cited by 3 submitters).